The following is an entry in ClinVar:

NM_006734.4(HIVEP2):c.3434C>T (p.Pro1145Leu)

Gene: HIVEP2 (HIVEP zinc finger 2; minus strand). Cytogenetic location: 6q24.2.
Variant type: single nucleotide variant.
Coding change: c.3434C>T on transcript NM_006734.4 (MANE Select); coding-DNA position 3434, C replaced by T.
Protein change: p.Pro1145Leu; replaces proline 1145 with leucine.
Molecular consequence: missense variant.
Genome position (GRCh38, 1-based): chr6:142,771,305, G>A on the plus strand (C>T on the coding strand, the complement: HIVEP2 is on the minus strand). VCF-style: chr6-142771305-G-A. GRCh37 (hg19) VCF-style: chr6-143092442-G-A.
Other names: short protein forms P1145L.
Identifiers: ClinVar variation 444702 (VCV000444702.52), dbSNP rs373421716, ClinGen allele CA4028250.

ClinVar aggregate classification (germline): Likely benign. Review status: criteria provided, multiple submitters, no conflicts (2 of 4 stars). 3 submissions from 3 submitters: Likely benign (3). Last evaluated 2025-01-19.

Conditions:
Inborn genetic diseases. Identifiers: MedGen C0950123, MeSH D030342.

Allele frequency attached by ClinVar (database versions not stated): ESP Exome Variant Server 0.00008; TOPMed 0.00017; gnomAD 0.00022; 1000 Genomes Project 30x 0.00047; 1000 Genomes Project 0.00060.
gnomAD v4.1: 104 of 1,613,384 alleles (0.0064%); highest among the groups gnomAD compares: East Asian, 0.12%; no homozygotes.

Submissions (3):

Labcorp Genetics (formerly Invitae), Labcorp
Classification: Likely benign. Last evaluated: 2025-01-19. Review status: criteria provided, single submitter. Criteria: Invitae Variant Classification Sherloc (09022015). Collection method: clinical testing. Allele origin: germline.

CeGaT Center for Human Genetics Tuebingen
Classification: Likely benign. Last evaluated: 2023-09-01. Review status: criteria provided, single submitter. Criteria: CeGaT Center For Human Genetics Tuebingen Variant Classification Criteria Version 2. Collection method: clinical testing. Allele origin: germline. Affected: yes. Observed: 3 variant alleles.
Comment: HIVEP2: BP4, BS1

Ambry Genetics
Classification: Likely benign for Inborn genetic diseases. Last evaluated: 2022-04-06. Review status: criteria provided, single submitter. Criteria: Ambry Variant Classification Scheme 2023. Collection method: clinical testing. Allele origin: germline.